The following is an entry in ClinVar:

NM_001244008.2(KIF1A):c.3924G>C (p.Glu1308Asp)

Gene: KIF1A (kinesin family member 1A; minus strand). Cytogenetic location: 2q37.3.
Variant type: single nucleotide variant.
Coding change: c.3924G>C on transcript NM_001244008.2 (MANE Select); coding-DNA position 3924, G replaced by C.
Protein change: p.Glu1308Asp; replaces glutamic acid 1308 with aspartic acid.
Molecular consequence: missense variant.
Genome position (GRCh38, 1-based): chr2:240,737,146, C>G on the plus strand (G>C on the coding strand, the complement: KIF1A is on the minus strand). VCF-style: chr2-240737146-C-G. GRCh37 (hg19) VCF-style: chr2-241676563-C-G.
Other names: c.3648G>C, p.Glu1216Asp (NM_001320705.2, NM_001330289.2, NM_001379638.1); c.3723G>C, p.Glu1241Asp (NM_001330290.2, NM_001379634.1, NM_001379635.1 and 1 more transcripts); c.3999G>C, p.Glu1333Asp (NM_001379631.1); c.3873G>C, p.Glu1291Asp (NM_001379632.1); c.3897G>C, p.Glu1299Asp (NM_001379633.1, NM_001379642.1, NM_001379645.1); c.3735G>C, p.Glu1245Asp (NM_001379636.1); c.3696G>C, p.Glu1232Asp (NM_001379637.1, NM_001379648.1); c.3621G>C, p.Glu1207Asp (NM_001379639.1, NM_001379641.1, NM_001379649.1 and 4 more transcripts); and 1 more; short protein forms E1241D, E1333D, E1216D, E1299D, E1206D, E1308D, E1207D, E1232D.
Identifiers: ClinVar variation 1423463 (VCV001423463.8), dbSNP rs2125719123, ClinGen allele CA351312931.
Genomic context (GRCh38, chr2:240,737,146, plus strand): 5'-GTATCCGGAAGAGAGGATGTTGAGAGACAAGATGTTGGGGTCGATCAGGGACTCGTCGGT[C>G]TCTGGAGTGTTTCGGATGCGGCCTGCAGAAAAGGCAACGGGCCACAGGTCACTTCCCAGG-3'
Protein context (NP_001230937.1, residues 1298-1318): LVVGRIRNTP[Glu1308Asp]TDESLIDPNI

ClinVar aggregate classification (germline): Uncertain significance (1 of 4 stars; one submission).

Conditions:
Hereditary spastic paraplegia 30. Identifiers: Orphanet 101010, MedGen C5235139, MONDO:0012476.
Neuropathy, hereditary sensory, type 2C. Also called: Hereditary sensory and autonomic neuropathy type IIC; KIF1A-Related HSAN2 (HSAN2C). Identifiers: Orphanet 970, MedGen C3280168, MONDO:0013634, OMIM 614213.
Intellectual disability, autosomal dominant 9 (NESCAVS). Also called: NESCAV SYNDROME; KIF1A-Related Neurodevelopmental Disorder. Identifiers: Orphanet 662367, MedGen C5393830, MONDO:0013656, OMIM 614255.

Submission:

Labcorp Genetics (formerly Invitae), Labcorp
Classification: Uncertain significance for Hereditary spastic paraplegia 30; Neuropathy, hereditary sensory, type 2C; Intellectual disability, autosomal dominant 9. Last evaluated: 2022-09-10. Review status: criteria provided, single submitter. Criteria: Invitae Variant Classification Sherloc (09022015). Collection method: clinical testing. Allele origin: germline.
Comment: In summary, the available evidence is currently insufficient to determine the role of this variant in disease. Therefore, it has been classified as a Variant of Uncertain Significance. Advanced modeling of protein sequence and biophysical properties (such as structural, functional, and spatial information, amino acid conservation, physicochemical variation, residue mobility, and thermodynamic stability) performed at Invitae indicates that this missense variant is not expected to disrupt KIF1A protein function. ClinVar contains an entry for this variant (Variation ID: 1423463). This variant has not been reported in the literature in individuals affected with KIF1A-related conditions. This variant is not present in population databases (gnomAD no frequency). This sequence change replaces glutamic acid, which is acidic and polar, with aspartic acid, which is acidic and polar, at codon 1207 of the KIF1A protein (p.Glu1207Asp).